The following is an entry in ClinVar:

ClinVar aggregate classification (germline): Likely pathogenic. Review status: criteria provided, multiple submitters, no conflicts (2 of 4 stars). 2 submissions from 2 submitters: Likely pathogenic (2). Last evaluated 2018-07-01.

Conditions:
Tubulinopathy. Also called: Tubulinopathies. Identifiers: MedGen CN850169, MONDO:0100153.
Lissencephaly due to TUBA1A mutation (CDCBM16). Also called: CORTICAL DYSPLASIA, COMPLEX, WITH OTHER BRAIN MALFORMATIONS 16; Lissencephaly 3. Identifiers: Orphanet 171680, MedGen C4305153, MONDO:0012703, OMIM 611603.

Submissions (2):

Institute of Human Genetics, FAU Erlangen, Friedrich-Alexander-Universität Erlangen-Nürnberg
Classification: Likely pathogenic for Tubulinopathies. Last evaluated: 2018-07-01. Review status: criteria provided, single submitter. Criteria: ACMG Guidelines, 2015. Collection method: literature only. Allele origin: germline. Affected: yes. Observed: 1 variant allele.
Comment: The c.152C>T, p.(Thr51Ile) variant has been reported as a variant of germline/unknown origin.

Genetic Services Laboratory, University of Chicago
Classification: Likely pathogenic for Lissencephaly 3. Last evaluated: 2013-02-08. Review status: criteria provided, single submitter. Criteria: ACMG Guidelines, 2007. Collection method: clinical testing. Allele origin: germline. Inheritance: Autosomal dominant inheritance. Affected: yes.

Literature cited by the submitters: PubMed 30744660 (cited by Institute of Human Genetics, FAU Erlangen, Friedrich-Alexander-Universität Erlangen-Nürnberg); DOI 10.1101/427948 (cited by Institute of Human Genetics, FAU Erlangen, Friedrich-Alexander-Universität Erlangen-Nürnberg).

NM_006009.4(TUBA1A):c.152C>T (p.Thr51Ile)

Gene: TUBA1A (tubulin alpha 1a; minus strand). Cytogenetic location: 12q13.12.
Variant type: single nucleotide variant.
Coding change: c.152C>T on transcript NM_006009.4 (MANE Select); coding-DNA position 152, C replaced by T.
Protein change: p.Thr51Ile; replaces threonine 51 with isoleucine.
Molecular consequence: missense variant.
Genome position (GRCh38, 1-based): chr12:49,186,685, G>A on the plus strand (C>T on the coding strand, the complement: TUBA1A is on the minus strand). VCF-style: chr12-49186685-G-A. GRCh37 (hg19) VCF-style: chr12-49580468-G-A.
Other names: c.152C>T, p.Thr51Ile (NM_001270399.2); c.47C>T, p.Thr16Ile (NM_001270400.2); short protein forms T51I, T16I.
Identifiers: ClinVar variation 160149 (VCV000160149.7), dbSNP rs587784485, ClinGen allele CA213262.
Genomic context (GRCh38, chr12:49,186,685, plus strand): 5'-TCCAAGTCTACAAACACTGCCCGGGGCACATGCTTGCCAGCCCCCGTCTCACTGAAGAAG[G>A]TGTTGAAGGAATCATCTCCTCCCCCAATGGTCTTGTCACTTGGCATCTGGCCATCGGGCT-3'
Protein context (NP_006000.2, residues 41-61): TIGGGDDSFN[Thr51Ile]FFSETGAGKH